The following is an entry in ClinVar:

NM_000245.4(MET):c.2365-14G>A

Gene: MET (MET proto-oncogene, receptor tyrosine kinase; plus strand). Cytogenetic location: 7q31.2.
Variant type: single nucleotide variant.
Coding change: c.2365-14G>A on transcript NM_000245.4 (MANE Select); 14 bases into the intron before coding-DNA position 2365, G replaced by A.
Molecular consequence: intron variant.
Genome position (GRCh38, 1-based): chr7:116,763,036, G>A. VCF-style: chr7-116763036-G-A. GRCh37 (hg19) VCF-style: chr7-116403090-G-A.
Other names: c.2419-14G>A (NM_001127500.3); c.1075-14G>A (NM_001324402.2); c.2365-14G>A (NM_001324401.3).
Identifiers: ClinVar variation 1697556 (VCV001697556.8), dbSNP rs769247886, ClinGen allele CA2580076228.

ClinVar aggregate classification (germline): Likely benign. Review status: criteria provided, multiple submitters, no conflicts (2 of 4 stars). 2 submissions from 2 submitters: Likely benign (2). Last evaluated 2025-03-04.

Conditions:
Papillary renal cell carcinoma type 1 (RCCP1). Also called: RENAL CELL CARCINOMA, PAPILLARY, 1, SOMATIC; Renal adenocarcinoma; Renal cell carcinoma 1; Renal cell carcinoma, somatic. Identifiers: Orphanet 47044, MedGen C1336839, OMIM 605074, HP:0011797.

Submissions (2):

Center for Genomic Medicine, Rigshospitalet, Copenhagen University Hospital
Classification: Likely benign. Last evaluated: 2025-03-04. Review status: criteria provided, single submitter. Criteria: ACMG Guidelines, 2015. Collection method: clinical testing. Allele origin: germline.

Myriad Genetics, Inc.
Classification: Likely benign for Papillary renal cell carcinoma type 1. Last evaluated: 2024-11-11. Review status: criteria provided, single submitter. Criteria: Myriad Autosomal Dominant, Autosomal Recessive and X-Linked Classification Criteria (2023). Collection method: clinical testing. Allele origin: unknown.
Comment: This variant is considered likely benign. This variant is intronic and is not expected to impact mRNA splicing.